The following is an entry in ClinVar:

ClinVar aggregate classification (germline): Likely benign (1 of 4 stars; one submission).

Submission:

Women's Health and Genetics/Laboratory Corporation of America, LabCorp
Classification: Likely benign. Last evaluated: 2024-11-06. Review status: criteria provided, single submitter. Criteria: LabCorp Variant Classification Summary - May 2015. Collection method: clinical testing. Allele origin: germline.
Comment: Variant summary: CACNA1G c.4422+60_4422+62delinsCC is located at a position not widely known to affect splicing. Consensus agreement among computation tools predict no significant impact on normal splicing. However, these predictions have yet to be confirmed by functional studies. The variant was absent in 1610080 control chromosomes. The available data on variant occurrences in the general population are insufficient to allow any conclusion about variant significance. To our knowledge, no occurrence of c.4422+60_4422+62delinsCC in individuals affected with Spinocerebellar Ataxia Type 42 and no experimental evidence demonstrating its impact on protein function have been reported. No submitters have cited clinical-significance assessments for this variant to ClinVar. Based on the evidence outlined above, the variant was classified as likely benign.

NM_018896.5(CACNA1G):c.4422+60_4422+62delinsCC

Gene: CACNA1G (calcium voltage-gated channel subunit alpha1 G; plus strand). Cytogenetic location: 17q21.33.
Variant type: Indel.
Coding change: c.4422+60_4422+62delinsCC on transcript NM_018896.5 (MANE Select); bases 60 to 62 of the intron after coding-DNA position 4422, ATG replaced by CC.
Molecular consequence: intron variant.
Genome position (GRCh38, 1-based): chr17:50,606,083-50,606,085, ATG replaced by CC. VCF-style: chr17-50606083-ATG-CC. GRCh37 (hg19) VCF-style: chr17-48683444-ATG-CC.
Other names: c.4422+60_4422+62delinsCC (NM_001256325.2, NM_198377.3, NM_198380.3 and 16 more transcripts); c.4353+60_4353+62delinsCC (NM_198396.3, NM_198379.3, NM_198387.3 and 5 more transcripts).
Identifiers: ClinVar variation 3629804 (VCV003629804.1).